The following is an entry in ClinVar:

NM_003640.5(ELP1):c.1787C>G (p.Ser596Cys)

Gene: ELP1 (elongator acetyltransferase complex subunit 1; minus strand). Cytogenetic location: 9q31.3.
Variant type: single nucleotide variant.
Coding change: c.1787C>G on transcript NM_003640.5 (MANE Select); coding-DNA position 1787, C replaced by G.
Protein change: p.Ser596Cys; replaces serine 596 with cysteine.
Molecular consequence: missense variant.
Genome position (GRCh38, 1-based): chr9:108,902,906, G>C on the plus strand (C>G on the coding strand, the complement: ELP1 is on the minus strand). VCF-style: chr9-108902906-G-C. GRCh37 (hg19) VCF-style: chr9-111665186-G-C.
Other names: c.1445C>G, p.Ser482Cys (NM_001318360.2); c.740C>G, p.Ser247Cys (NM_001330749.2); short protein forms S247C, S482C, S596C.
Identifiers: ClinVar variation 1799963 (VCV001799963.2), dbSNP rs2537905793, ClinGen allele CA374425805.
Genomic context (GRCh38, chr9:108,902,906, plus strand): 5'-CCAATCATGGCCAATTCGGTCTGGGTGCATGGATAAGGAAACCGAACAGGAAATCCACCA[G>C]AGTTCTTCCATGGTTTAATAGCCAGAGAAGGTGACTCTGCAAGATTCACAGATCTAGTTC-3'
Protein context (NP_003631.2, residues 586-606): PSLAIKPWKN[Ser596Cys]GGFPVRFPYP

ClinVar aggregate classification (germline): Uncertain significance (1 of 4 stars; one submission).

Allele frequency attached by ClinVar (database versions not stated): gnomAD exomes below 0.00001.
gnomAD v4.1: 2 of 1,613,992 alleles (0.00012%); highest among the groups gnomAD compares: Non-Finnish European, 0.00017%; no homozygotes.

Submission:

Ambry Genetics
Classification: Uncertain significance. Last evaluated: 2022-09-26. Review status: criteria provided, single submitter. Criteria: Ambry Variant Classification Scheme 2023. Collection method: clinical testing. Allele origin: germline.
Comment: The p.S596C variant (also known as c.1787C>G), located in coding exon 15 of the IKBKAP gene, results from a C to G substitution at nucleotide position 1787. The serine at codon 596 is replaced by cysteine, an amino acid with dissimilar properties. This amino acid position is conserved. In addition, this alteration is predicted to be tolerated by in silico analysis. Since supporting evidence is limited at this time, the clinical significance of this alteration remains unclear.